The following is an entry in ClinVar:

NM_015978.3(TNNI3K):c.2273G>C (p.Ser758Thr)

Genes: FPGT-TNNI3K (FPGT-TNNI3K readthrough; plus strand), LRRC53 (leucine rich repeat containing 53; minus strand), TNNI3K (TNNI3 interacting kinase; plus strand). Cytogenetic location: 1p31.1.
Variant type: single nucleotide variant.
Coding change: c.2273G>C on transcript NM_015978.3 (MANE Select); coding-DNA position 2273, G replaced by C.
Protein change: p.Ser758Thr; replaces serine 758 with threonine.
Molecular consequence: missense variant. On other transcripts: intron variant (2).
Genome position (GRCh38, 1-based): chr1:74,492,188, G>C. VCF-style: chr1-74492188-G-C. GRCh37 (hg19) VCF-style: chr1-74957872-G-C.
Other names: c.2576G>C, p.Ser859Thr (NM_001112808.3); c.-8-11220C>G (NM_001364666.2); c.-26-8813C>G (NM_001382280.1); short protein forms S859T, S758T.
Identifiers: ClinVar variation 1488457 (VCV001488457.8), dbSNP rs771486155, ClinGen allele CA24566246.

ClinVar aggregate classification (germline): Uncertain significance (1 of 4 stars; one submission).

Allele frequency attached by ClinVar (database versions not stated): gnomAD 0.00001; TOPMed 0.00001.
gnomAD v4.1: 2 of 1,613,090 alleles (0.00012%); highest among the groups gnomAD compares: Admixed American, 0.0017%; no homozygotes.

Submission:

Labcorp Genetics (formerly Invitae), Labcorp
Classification: Uncertain significance. Last evaluated: 2026-01-27. Review status: criteria provided, single submitter. Criteria: Invitae Variant Classification Sherloc (09022015). Collection method: clinical testing. Allele origin: germline.
Comment: This sequence change replaces serine, which is neutral and polar, with threonine, which is neutral and polar, at codon 758 of the TNNI3K protein (p.Ser758Thr). This variant is present in population databases (rs771486155, gnomAD 0.1%). This variant has not been reported in the literature in individuals affected with TNNI3K-related conditions. ClinVar contains an entry for this variant (Variation ID: 1488457). An algorithm developed to predict the effect of missense changes on protein structure and function (PolyPhen-2) suggests that this variant is likely to be tolerated. In summary, the available evidence is currently insufficient to determine the role of this variant in disease. Therefore, it has been classified as a Variant of Uncertain Significance.